The following is an entry in ClinVar:

ClinVar aggregate classification (germline): Uncertain significance (1 of 4 stars; one submission).

Submission:

Labcorp Genetics (formerly Invitae), Labcorp
Classification: Uncertain significance. Last evaluated: 2021-12-20. Review status: criteria provided, single submitter. Criteria: Invitae Variant Classification Sherloc (09022015). Collection method: clinical testing. Allele origin: germline.
Comment: This sequence change replaces asparagine, which is neutral and polar, with aspartic acid, which is acidic and polar, at codon 1709 of the COL11A1 protein (p.Asn1709Asp). This variant is not present in population databases (gnomAD no frequency). This variant has not been reported in the literature in individuals affected with COL11A1-related conditions. Advanced modeling of protein sequence and biophysical properties (such as structural, functional, and spatial information, amino acid conservation, physicochemical variation, residue mobility, and thermodynamic stability) performed at Invitae indicates that this missense variant is not expected to disrupt COL11A1 protein function. Algorithms developed to predict the effect of sequence changes on RNA splicing suggest that this variant may create or strengthen a splice site. In summary, the available evidence is currently insufficient to determine the role of this variant in disease. Therefore, it has been classified as a Variant of Uncertain Significance.

NM_001854.4(COL11A1):c.5125A>G (p.Asn1709Asp)

Genes: COL11A1 (collagen type XI alpha 1 chain; minus strand), LOC126805814 (P300/CBP strongly-dependent group 1 enhancer GRCh37_chr1:103344928-103346127; plus strand). Cytogenetic location: 1p21.1.
Variant type: single nucleotide variant.
Coding change: c.5125A>G on transcript NM_001854.4 (MANE Select); coding-DNA position 5125, A replaced by G.
Protein change: p.Asn1709Asp; replaces asparagine 1709 with aspartic acid.
Molecular consequence: missense variant. On other transcripts: non-coding transcript variant (1).
Genome position (GRCh38, 1-based): chr1:102,879,832, T>C on the plus strand (A>G on the coding strand, the complement: COL11A1 is on the minus strand). VCF-style: chr1-102879832-T-C. GRCh37 (hg19) VCF-style: chr1-103345388-T-C.
Other names: c.4777A>G, p.Asn1593Asp (NM_001168249.1, NM_080630.4); c.5008A>G, p.Asn1670Asp (NM_001190709.2); c.5161A>G, p.Asn1721Asp (NM_080629.3); short protein forms N1593D, N1721D, N1670D, N1709D.
Identifiers: ClinVar variation 2050601 (VCV002050601.4), dbSNP rs1650003716, ClinGen allele CA341211061.
Genomic context (GRCh38, chr1:102,879,832, plus strand): 5'-CATAACTTCCTGATGACACATCATACCAGGCTGCTGACTGATGACAGTGGTAGGTGAAAT[T>C]TTGCCGAGCAGAGGCAGTCAGAAGTTTCAGGAATGTCATTTGCACCATATTGATGGAATT-3'
Protein context (NP_001845.3, residues 1699-1719): LKLLTASARQ[Asn1709Asp]FTYHCHQSAA